The following is an entry in ClinVar:

ClinVar aggregate classification (germline): Uncertain significance (1 of 4 stars; one submission).

Conditions:
Inflammatory skin and bowel disease, neonatal, 1. Identifiers: Orphanet 294023, MedGen C3280501, MONDO:0013693, OMIM 614328.

Allele frequency attached by ClinVar (database versions not stated): gnomAD exomes below 0.00001.

Submission:

Labcorp Genetics (formerly Invitae), Labcorp
Classification: Uncertain significance for Inflammatory skin and bowel disease, neonatal, 1. Last evaluated: 2022-01-08. Review status: criteria provided, single submitter. Criteria: Invitae Variant Classification Sherloc (09022015). Collection method: clinical testing. Allele origin: germline.
Comment: This variant has not been reported in the literature in individuals affected with ADAM17-related conditions. This sequence change replaces tyrosine, which is neutral and polar, with cysteine, which is neutral and slightly polar, at codon 352 of the ADAM17 protein (p.Tyr352Cys). This variant is not present in population databases (gnomAD no frequency). Algorithms developed to predict the effect of missense changes on protein structure and function are either unavailable or do not agree on the potential impact of this missense change (SIFT: "Not Available"; PolyPhen-2: "Probably Damaging"; Align-GVGD: "Not Available"). In summary, the available evidence is currently insufficient to determine the role of this variant in disease. Therefore, it has been classified as a Variant of Uncertain Significance.

NM_003183.6(ADAM17):c.1055A>G (p.Tyr352Cys)

Gene: ADAM17 (ADAM metallopeptidase domain 17; minus strand). Cytogenetic location: 2p25.1.
Variant type: single nucleotide variant.
Coding change: c.1055A>G on transcript NM_003183.6 (MANE Select); coding-DNA position 1055, A replaced by G.
Protein change: p.Tyr352Cys; replaces tyrosine 352 with cysteine.
Molecular consequence: missense variant.
Genome position (GRCh38, 1-based): chr2:9,518,150, T>C on the plus strand (A>G on the coding strand, the complement: ADAM17 is on the minus strand). VCF-style: chr2-9518150-T-C. GRCh37 (hg19) VCF-style: chr2-9658279-T-C.
Other names: c.395A>G, p.Tyr132Cys (NM_001382777.1); c.158A>G, p.Tyr53Cys (NM_001382778.1); short protein forms Y352C, Y53C, Y132C.
Identifiers: ClinVar variation 2077812 (VCV002077812.4), dbSNP rs2527328204, ClinGen allele CA345780157.